The following is an entry in ClinVar:

ClinVar aggregate classification (germline): Likely benign. Review status: criteria provided, multiple submitters, no conflicts (2 of 4 stars). 2 submissions from 2 submitters: Likely benign (2). Last evaluated 2025-10-23.

Conditions:
RYR1-related disorder. Also called: RYR1-related condition; RYR1-related disorders. Identifiers: MedGen CN239331.
Malignant hyperthermia, susceptibility to, 1 (MHS1). Also called: Anesthesia related hyperthermia; Malignant hyperpyrexia; Fulminating hyperpyrexia; Pharmacogenic myopathy; RYR1-Related Malignant Hyperthermia Susceptibility; Malignant hyperthermia suceptibility 1. Identifiers: Orphanet 423, MedGen C2930980, MONDO:0007783, OMIM 145600.

gnomAD v4.1: 1 of 1,614,148 alleles (0.000062%); highest among the groups gnomAD compares: Non-Finnish European, 0.000085%; no homozygotes.

Submissions (2):

Labcorp Genetics (formerly Invitae), Labcorp
Classification: Likely benign for RYR1-related disorder. Last evaluated: 2025-10-23. Review status: criteria provided, single submitter. Criteria: Invitae Variant Classification Sherloc (09022015). Collection method: clinical testing. Allele origin: germline.

All of Us Research Program, National Institutes of Health
Classification: Likely benign for Malignant hyperthermia, susceptibility to, 1. Last evaluated: 2023-05-30. Review status: criteria provided, single submitter. Criteria: ACMG Guidelines, 2015. Collection method: clinical testing. Allele origin: germline. Inheritance: Autosomal dominant inheritance. Observed: 1 variant allele, 1 heterozygote.
Comment: This study involves interpretation of variants in research participants for the purpose of population health screening. Participant phenotype was not available at the time of variant classification. Additional details can be found in publication PMID: 35346344, PMCID: PMC8962531

NM_000540.3(RYR1):c.1449C>T (p.Leu483=)

Genes: RYR1 (ryanodine receptor 1; plus strand), LOC129391106 (MPRA-validated peak3472 silencer; plus strand). Cytogenetic location: 19q13.2.
Variant type: single nucleotide variant.
Coding change: c.1449C>T on transcript NM_000540.3 (MANE Select); coding-DNA position 1449, C replaced by T.
Protein change: p.Leu483=; no amino-acid change (leucine 483 retained).
Molecular consequence: synonymous variant.
Genome position (GRCh38, 1-based): chr19:38,455,243, C>T. VCF-style: chr19-38455243-C-T. GRCh37 (hg19) VCF-style: chr19-38945883-C-T.
Other names: c.1449C>T, p.Leu483= (NM_001042723.2).
Identifiers: ClinVar variation 3071381 (VCV003071381.2), dbSNP rs2514025144, ClinGen allele CA507352461.
Genomic context (GRCh38, chr19:38,455,243, plus strand): 5'-AAGGGAGGGCCTGGGTCTCCTATTGTGATGCCTCTTATTTTCCTCATCCTAGGGGATGCT[C>T]TCCATGGTCCTGAATTGCATAGACCGCCTAAATGTCTACACCACTGCTGCCCACTTTGCT-3'
Protein context (NP_000531.2, residues 473-493): RQSLFQEEGM[Leu483=]SMVLNCIDRL